The following is an entry in ClinVar:

NM_016026.4(RDH11):c.46C>G (p.Leu16Val)

Genes: GPHN (gephyrin; plus strand), RDH11 (retinol dehydrogenase 11; minus strand). Cytogenetic location: 14q24.1.
Variant type: single nucleotide variant.
Coding change: c.46C>G on transcript NM_016026.4 (MANE Select); coding-DNA position 46, C replaced by G.
Protein change: p.Leu16Val; replaces leucine 16 with valine.
Molecular consequence: missense variant.
Genome position (GRCh38, 1-based): chr14:67,695,658, G>C on the plus strand (C>G on the coding strand, the complement: RDH11 is on the minus strand). VCF-style: chr14-67695658-G-C. GRCh37 (hg19) VCF-style: chr14-68162375-G-C.
Other names: c.46C>G, p.Leu16Val (NM_001252650.2); c.46C>G (NM_016026.3); short protein forms L16V.
Identifiers: ClinVar variation 1052318 (VCV001052318.12), dbSNP rs773243578, ClinGen allele CA7238521.
Genomic context (GRCh38, chr14:67,695,658, plus strand): 5'-TTCTCAAGAGAAGGCAATACATTTGCACAGACCTGATTTGGGGCGCAGCCATATACAGAA[G>C]GAAGGGCAGAAGGAGGAGCAACAGCGGGAACATGAGCTCAACCATCTCTGCCGGCTGCAG-3'
Protein context (NP_057110.3, residues 6-26): FPLLLLLLPF[Leu16Val]LYMAAPQIRK

ClinVar aggregate classification (germline): Uncertain significance. Review status: criteria provided, multiple submitters, no conflicts (2 of 4 stars). 2 submissions from 2 submitters: Uncertain significance (2). Last evaluated 2024-04-17.

Allele frequency attached by ClinVar (database versions not stated): ExAC 0.00001; gnomAD 0.00001; gnomAD exomes 0.00001; TOPMed 0.00001.
gnomAD v4.1: 9 of 1,614,092 alleles (0.00056%); highest among the groups gnomAD compares: South Asian, 0.0033%; no homozygotes.

Submissions (2):

Labcorp Genetics (formerly Invitae), Labcorp
Classification: Uncertain significance. Last evaluated: 2024-04-17. Review status: criteria provided, single submitter. Criteria: Invitae Variant Classification Sherloc (09022015). Collection method: clinical testing. Allele origin: germline.
Comment: This sequence change replaces leucine, which is neutral and non-polar, with valine, which is neutral and non-polar, at codon 16 of the RDH11 protein (p.Leu16Val). This variant is present in population databases (rs773243578, gnomAD 0.006%). This variant has not been reported in the literature in individuals affected with RDH11-related conditions. ClinVar contains an entry for this variant (Variation ID: 1052318). An algorithm developed to predict the effect of missense changes on protein structure and function (PolyPhen-2) suggests that this variant is likely to be tolerated. In summary, the available evidence is currently insufficient to determine the role of this variant in disease. Therefore, it has been classified as a Variant of Uncertain Significance.

Ambry Genetics
Classification: Uncertain significance. Last evaluated: 2022-01-05. Review status: criteria provided, single submitter. Criteria: Ambry Variant Classification Scheme 2023. Collection method: clinical testing. Allele origin: germline.